The following is an entry in ClinVar:

ClinVar aggregate classification (germline): Uncertain significance. Review status: criteria provided, multiple submitters, no conflicts (2 of 4 stars). 2 submissions from 2 submitters: Uncertain significance (2). Last evaluated 2022-07-27.

Conditions:
Methylmalonic aciduria and homocystinuria type cblF. Also called: COBALAMIN F DISEASE; COBALAMIN, DEFECT IN LYSOSOMAL RELEASE OF; METHYLMALONIC ACIDEMIA AND HOMOCYSTINURIA, cblF TYPE; METHYLMALONIC ACIDURIA DUE TO VITAMIN B12-RELEASE DEFECT; VITAMIN B12 LYSOSOMAL RELEASE DEFECT; VITAMIN B12 STORAGE DISEASE. Identifiers: Orphanet 79284, MedGen C1848578, MONDO:0010183, OMIM 277380.
Inborn genetic diseases. Identifiers: MedGen C0950123, MeSH D030342.

Allele frequency attached by ClinVar (database versions not stated): gnomAD 0.00006 and 0.00007; TOPMed 0.00008; gnomAD exomes 0.00009; ExAC 0.00011; ESP Exome Variant Server 0.00015.
gnomAD v4.1: 270 of 1,566,116 alleles (0.017%); highest among the groups gnomAD compares: Non-Finnish European, 0.022%; 1 homozygote.

Submissions (2):

Labcorp Genetics (formerly Invitae), Labcorp
Classification: Uncertain significance for Methylmalonic aciduria and homocystinuria type cblF. Last evaluated: 2022-07-27. Review status: criteria provided, single submitter. Criteria: Invitae Variant Classification Sherloc (09022015). Collection method: clinical testing. Allele origin: germline.
Comment: This sequence change replaces asparagine, which is neutral and polar, with threonine, which is neutral and polar, at codon 448 of the LMBRD1 protein (p.Asn448Thr). This variant is present in population databases (rs375328924, gnomAD 0.02%). This variant has not been reported in the literature in individuals affected with LMBRD1-related conditions. ClinVar contains an entry for this variant (Variation ID: 1389120). Algorithms developed to predict the effect of missense changes on protein structure and function are either unavailable or do not agree on the potential impact of this missense change (SIFT: "Deleterious"; PolyPhen-2: "Benign"; Align-GVGD: "Class C0"). In summary, the available evidence is currently insufficient to determine the role of this variant in disease. Therefore, it has been classified as a Variant of Uncertain Significance.

Ambry Genetics
Classification: Uncertain significance for Inborn genetic diseases. Last evaluated: 2021-07-13. Review status: criteria provided, single submitter. Criteria: Ambry Variant Classification Scheme 2023. Collection method: clinical testing. Allele origin: germline.

NM_018368.4(LMBRD1):c.1343A>C (p.Asn448Thr)

Gene: LMBRD1 (LMBR1 domain containing 1; minus strand). Cytogenetic location: 6q13.
Variant type: single nucleotide variant.
Coding change: c.1343A>C on transcript NM_018368.4 (MANE Select); coding-DNA position 1343, A replaced by C.
Protein change: p.Asn448Thr; replaces asparagine 448 with threonine.
Molecular consequence: missense variant.
Genome position (GRCh38, 1-based): chr6:69,697,637, T>G on the plus strand (A>C on the coding strand, the complement: LMBRD1 is on the minus strand). VCF-style: chr6-69697637-T-G. GRCh37 (hg19) VCF-style: chr6-70407529-T-G.
Other names: c.1124A>C, p.Asn375Thr (NM_001363722.2, NM_001367271.1, NM_001367272.1); c.1343A>C (NM_018368.3); short protein forms N375T, N448T.
Identifiers: ClinVar variation 1389120 (VCV001389120.6), dbSNP rs375328924, ClinGen allele CA3879592.